The following is an entry in ClinVar:

NM_001040716.2(PC):c.2042A>G (p.Asn681Ser)

Gene: PC (pyruvate carboxylase; minus strand). Cytogenetic location: 11q13.2.
Variant type: single nucleotide variant.
Coding change: c.2042A>G on transcript NM_001040716.2 (MANE Select); coding-DNA position 2042, A replaced by G.
Protein change: p.Asn681Ser; replaces asparagine 681 with serine.
Molecular consequence: missense variant.
Genome position (GRCh38, 1-based): chr11:66,851,221, T>C on the plus strand (A>G on the coding strand, the complement: PC is on the minus strand). VCF-style: chr11-66851221-T-C. GRCh37 (hg19) VCF-style: chr11-66618692-T-C.
Other names: c.2042A>G, p.Asn681Ser (NM_000920.4, NM_022172.3); short protein forms N681S.
Identifiers: ClinVar variation 3775185 (VCV003775185.1).

ClinVar aggregate classification (germline): Uncertain significance (1 of 4 stars; one submission).

Conditions:
Pyruvate carboxylase deficiency. Also called: Pyruvate Carboxylase Deficiency Disease; PC DEFICIENCY; ATAXIA WITH LACTIC ACIDOSIS II; LEIGH NECROTIZING ENCEPHALOPATHY DUE TO PYRUVATE CARBOXYLASE DEFICIENCY; LEIGH SYNDROME DUE TO PYRUVATE CARBOXYLASE DEFICIENCY. Identifiers: Orphanet 3008, MedGen C0034341, MONDO:0009949, OMIM 266150.

Submission:

3billion
Classification: Uncertain significance for Pyruvate carboxylase deficiency. Last evaluated: 2023-12-08. Review status: criteria provided, single submitter. Criteria: ACMG Guidelines, 2015. Collection method: clinical testing. Allele origin: germline. Affected: yes.
Comment: The variant is not observed in the gnomAD v2.1.1 dataset. Predicted Consequence/Location: The majority of the known disease-causing variants of this gene are variants expected to result in premature termination of the protein. Premature termination of the protein is a common disease-causing mechanism for this gene. In silico tool predictions suggest damaging effect of the variant on gene or gene product [REVEL: 0.82 (>=0.6, sensitivity 0.68 and specificity 0.92); 3Cnet: 0.80 (>=0.6, sensitivity 0.72 and precision 0.9), Splice AI: 0.76 (>=0.2 moderate evidence for spliceogenicity)]. And missense variant predicted in silico to alter splicing and result in a premature termination. Therefore functional study for splicing alteration should be performed to observe the exact consequence. Therefore, this variant is classified as VUS according to the recommendation of ACMG/AMP guideline.